The following is an entry in ClinVar:

ClinVar aggregate classification (germline): Uncertain significance (1 of 4 stars; one submission).

gnomAD v4.1: 1 of 1,205,839 alleles (0.000083%); no homozygotes.

Submission:

GeneDx
Classification: Uncertain significance. Last evaluated: 2023-03-17. Review status: criteria provided, single submitter. Criteria: GeneDx Variant Classification Process June 2021. Collection method: clinical testing. Allele origin: germline. Affected: yes.
Comment: Not observed at significant frequency in large population cohorts (gnomAD); In silico analysis supports that this missense variant has a deleterious effect on protein structure/function; Missense variants in this gene are often considered pathogenic (HGMD); Has not been previously published as pathogenic or benign to our knowledge

NM_003334.4(UBA1):c.1652G>A (p.Arg551His)

Gene: UBA1 (ubiquitin like modifier activating enzyme 1; plus strand). Cytogenetic location: Xp11.3.
Variant type: single nucleotide variant.
Coding change: c.1652G>A on transcript NM_003334.4 (MANE Select); coding-DNA position 1652, G replaced by A.
Protein change: p.Arg551His; replaces arginine 551 with histidine.
Molecular consequence: missense variant.
Genome position (GRCh38, 1-based): chrX:47,206,024, G>A. VCF-style: chrX-47206024-G-A. GRCh37 (hg19) VCF-style: chrX-47065423-G-A.
Other names: c.1652G>A, p.Arg551His (NM_153280.3); short protein forms R551H.
Identifiers: ClinVar variation 2579906 (VCV002579906.1), dbSNP rs2521522843, ClinGen allele CA412801536.